The following is an entry in ClinVar:

ClinVar aggregate classification (germline): Conflicting classifications of pathogenicity. Review status: criteria provided, conflicting classifications (1 of 4 stars). 3 submissions from 3 submitters: Uncertain significance (1); Likely benign (2). Last evaluated 2026-01-28.

Conditions:
Bethlem myopathy 1A. Also called: Bethlem myopathy 1; Bethlem Muscular Dystrophy; MYOPATHY, BENIGN CONGENITAL, WITH CONTRACTURES. Identifiers: Orphanet 610, MedGen CN029274, MONDO:0024530, OMIM 158810.

Allele frequency attached by ClinVar (database versions not stated): TOPMed 0.00006; gnomAD exomes 0.00008 and 0.00017; gnomAD 0.00010 and 0.00011; 1000 Genomes Project 30x 0.00016; ExAC 0.00016; 1000 Genomes Project 0.00020.
gnomAD v4.1: 135 of 1,614,254 alleles (0.0084%); highest among the groups gnomAD compares: Middle Eastern, 0.049%; no homozygotes.

Submissions (3):

Labcorp Genetics (formerly Invitae), Labcorp
Classification: Likely benign for Bethlem myopathy 1A. Last evaluated: 2026-01-28. Review status: criteria provided, single submitter. Criteria: Invitae Variant Classification Sherloc (09022015). Collection method: clinical testing. Allele origin: germline.

CeGaT Center for Human Genetics Tuebingen
Classification: Likely benign. Last evaluated: 2025-06-01. Review status: criteria provided, single submitter. Criteria: CeGaT Center For Human Genetics Tuebingen Variant Classification Criteria Version 2. Collection method: clinical testing. Allele origin: germline. Affected: yes. Observed: 2 variant alleles.
Comment: COL6A3: BP4, BP7

Eurofins Ntd Llc (ga)
Classification: Uncertain significance. Last evaluated: 2015-12-31. Review status: criteria provided, single submitter. Criteria: EGL Classification Definitions 2015. Collection method: clinical testing. Allele origin: germline. Observed: 1 variant allele, 1 heterozygote.

NM_004369.4(COL6A3):c.5394C>T (p.Arg1798=)

Gene: COL6A3 (collagen type VI alpha 3 chain; minus strand). Cytogenetic location: 2q37.3.
Variant type: single nucleotide variant.
Coding change: c.5394C>T on transcript NM_004369.4 (MANE Select); coding-DNA position 5394, C replaced by T.
Protein change: p.Arg1798=; no amino-acid change (arginine 1798 retained).
Molecular consequence: synonymous variant.
Genome position (GRCh38, 1-based): chr2:237,366,793, G>A on the plus strand (C>T on the coding strand, the complement: COL6A3 is on the minus strand). VCF-style: chr2-237366793-G-A. GRCh37 (hg19) VCF-style: chr2-238275436-G-A.
Other names: c.3573C>T, p.Arg1191= (NM_057166.5); c.4776C>T, p.Arg1592= (NM_057167.4).
Identifiers: ClinVar variation 285571 (VCV000285571.39), dbSNP rs202086524, ClinGen allele CA2188677.